The following is an entry in ClinVar:

NM_007294.4(BRCA1):c.145C>T (p.Leu49=)

Gene: BRCA1 (BRCA1 DNA repair associated; minus strand). Cytogenetic location: 17q21.31.
Variant type: single nucleotide variant.
Coding change: c.145C>T on transcript NM_007294.4 (MANE Select); coding-DNA position 145, C replaced by T.
Protein change: p.Leu49=; no amino-acid change (leucine 49 retained).
Molecular consequence: synonymous variant. On other transcripts: 5 prime UTR variant (61), intron variant (34).
Genome position (GRCh38, 1-based): chr17:43,106,523, G>A on the plus strand (C>T on the coding strand, the complement: BRCA1 is on the minus strand). VCF-style: chr17-43106523-G-A. GRCh37 (hg19) VCF-style: chr17-41258540-G-A.
Other names: c.4C>T, p.Leu2= (NM_001407852.1, NM_001407920.1, NM_001407921.1 and 99 more transcripts); c.-44C>T (NM_001407853.1, NM_001407879.1, NM_001407881.1 and 58 more transcripts); c.145C>T, p.Leu49= (NM_001407854.1, NM_001407858.1, NM_001407859.1 and 168 more transcripts); c.-218-11663C>T (NM_001407967.1, NM_001407966.1); c.-169-1567C>T (NM_001407959.1, NM_001407962.1, NM_001408512.1 and 4 more transcripts); c.81-1567C>T (NM_001408451.1); c.135-1567C>T (NM_001408475.1, NM_001407875.1, NM_001407659.1 and 21 more transcripts).
Identifiers: ClinVar variation 867275 (VCV000867275.3), dbSNP rs2054792700, ClinGen allele CA500128228.

Conditions:
Breast-ovarian cancer, familial, susceptibility to, 1 (BROVCA1). Also called: BRCA1 Hereditary Breast and Ovarian Cancer; OVARIAN CANCER, SUSCEPTIBILITY TO. Identifiers: Orphanet 145, MedGen C2676676, MONDO:0011450, OMIM 604370. Disease mechanism: loss of function.

Allele frequency attached by ClinVar (database versions not stated): gnomAD exomes below 0.00001.
gnomAD v4.1: 1 of 1,595,148 alleles (0.000063%); highest among the groups gnomAD compares: Non-Finnish European, 0.000086%; no homozygotes.

Submission:

Brotman Baty Institute, University of Washington
No classification provided (evidence only). Condition: Breast-ovarian cancer, familial 1. Review status: no classification provided. Collection method: in vitro. Allele origin: not applicable. Functional consequence: functionally_normal.
ClinVar note: "not provided" was previously submitted as the classification for the variant. However, the classification appeared to be based only on an observation of functional data so it was converted to no classification on 2025-07-30.